The following is an entry in ClinVar:

NM_002844.4(PTPRK):c.401T>C (p.Leu134Pro)

Gene: PTPRK (protein tyrosine phosphatase receptor type K; minus strand). Cytogenetic location: 6q22.33.
Variant type: single nucleotide variant.
Coding change: c.401T>C on transcript NM_002844.4 (MANE Select); coding-DNA position 401, T replaced by C.
Protein change: p.Leu134Pro; replaces leucine 134 with proline.
Molecular consequence: missense variant. On other transcripts: intron variant (1).
Genome position (GRCh38, 1-based): chr6:128,322,133, A>G on the plus strand (T>C on the coding strand, the complement: PTPRK is on the minus strand). VCF-style: chr6-128322133-A-G. GRCh37 (hg19) VCF-style: chr6-128643278-A-G.
Other names: c.401T>C, p.Leu134Pro (NM_001135648.3, NM_001291981.2, NM_001291982.2 and 1 more transcripts); c.108+75433T>C (NM_001291983.2); short protein forms L134P.
Identifiers: ClinVar variation 3778388 (VCV003778388.7).

ClinVar aggregate classification (germline): Uncertain significance (1 of 4 stars; one submission).

Submission:

CeGaT Center for Human Genetics Tuebingen
Classification: Uncertain significance. Last evaluated: 2025-02-01. Review status: criteria provided, single submitter. Criteria: CeGaT Center For Human Genetics Tuebingen Variant Classification Criteria Version 2. Collection method: clinical testing. Allele origin: germline. Affected: yes. Observed: 1 variant allele.
Comment: PTPRK: PM2, PP2